The following is an entry in ClinVar:

ClinVar aggregate classification (germline): Pathogenic. Review status: reviewed by expert panel (3 of 4 stars). 13 submissions from 13 submitters: Pathogenic (1). 12 of the submissions do not count toward it. Last evaluated 2016-04-22.

Conditions:
Inherited breast cancer and ovarian cancer.
Hereditary cancer-predisposing syndrome. Also called: Hereditary neoplastic syndrome; Neoplastic Syndromes, Hereditary; Hereditary Cancer Syndrome; Tumor predisposition. Identifiers: Orphanet 140162, MedGen C0027672, MeSH D009386, MONDO:0015356.
Hereditary breast ovarian cancer syndrome. Also called: Breast and ovarian cancer; Hereditary breast and ovarian cancer syndrome; BRCA1- and BRCA2-Associated Hereditary Breast and Ovarian Cancer; Hereditary breast and ovarian cancer syndrome (HBOC); Hereditary breast and/or ovarian cancer syndrome; Hereditary breast and ovarian cancer. Identifiers: Orphanet 145, MedGen C0677776, MeSH D061325, MONDO:0003582. Disease mechanism: loss of function.
Breast-ovarian cancer, familial, susceptibility to, 2 (BROVCA2). Also called: BRCA2 Hereditary Breast and Ovarian Cancer. Identifiers: Orphanet 145, MedGen C2675520, MONDO:0012933, OMIM 612555. Disease mechanism: loss of function.
Malignant tumor of breast. Also called: Malignant breast neoplasm; Cancer breast. Identifiers: MedGen C0006142, MONDO:0007254. Disease mechanism: loss of function.
Familial cancer of breast. Also called: hereditary breast carcinoma; Hereditary breast cancer; BREAST CANCER, FAMILIAL. Identifiers: Orphanet 227535, MedGen C0346153, MONDO:0016419, OMIM 114480. Disease mechanism: loss of function.

Submissions 1 to 8 of 13:

Evidence-based Network for the Interpretation of Germline Mutant Alleles (ENIGMA)
Classification: Pathogenic for Breast-ovarian cancer, familial, susceptibility to, 2. Last evaluated: 2016-04-22. Review status: reviewed by expert panel. Criteria: ENIGMA BRCA1/2 Classification Criteria (2015). Collection method: curation. Allele origin: germline.
Comment: Variant allele predicted to encode a truncated non-functional protein.

GeneDx
Classification: Pathogenic. Last evaluated: 2026-10-01. Review status: criteria provided, single submitter. Criteria: GeneDx Variant Classification Process June 2021. Collection method: clinical testing. Allele origin: germline. Not counted in ClinVar's aggregate classification.
Comment: Identified in patients with BRCA2-related cancers in published literature (PMID: 8589730, 28324225, 30736435); Truncating variants in this gene are considered pathogenic by a well-established clinical consortium and/or database; Frameshift variant predicted to result in protein truncation or nonsense mediated decay in a gene for which loss of function is a known mechanism of disease; Not observed at significant frequency in large population cohorts (gnomAD); Also known as 279_280del; 277delAC; 279delAC; This variant is associated with the following publications: (PMID: 36367610, 20104584, 37851290, 30736435, 18607349, 8589730, 28324225, 31742824)

Labcorp Genetics (formerly Invitae), Labcorp
Classification: Pathogenic for Hereditary breast ovarian cancer syndrome. Last evaluated: 2026-01-11. Review status: criteria provided, single submitter. Criteria: Invitae Variant Classification Sherloc (09022015). Collection method: clinical testing. Allele origin: germline. Not counted in ClinVar's aggregate classification.
Comment: This sequence change creates a premature translational stop signal (p.Arg18Leufs*12) in the BRCA2 gene. It is expected to result in an absent or disrupted protein product. Loss-of-function variants in BRCA2 are known to be pathogenic (PMID: 20104584). This variant is not present in population databases (gnomAD no frequency). This premature translational stop signal has been observed in individual(s) with breast cancer (PMID: 8589730, 20104584, 26534844, 28324225). This variant is also known as 277delAC and 279delAC. For these reasons, this variant has been classified as Pathogenic.

Cambridge Genomics Laboratory, East Genomic Laboratory Hub, NHS Genomic Medicine Service
Classification: Pathogenic for Inherited breast cancer and ovarian cancer. Last evaluated: 2025-04-23. Review status: criteria provided, single submitter. Criteria: ACGS Best Practice Guidelines for Variant Classification in Rare Disease 2020. Collection method: clinical testing. Allele origin: germline. Affected: yes. Not counted in ClinVar's aggregate classification.
Comment: PVS1,PM2_Supporting,PM5_Strong

Laboratory for Molecular Medicine, Mass General Brigham Personalized Medicine
Classification: Pathogenic for Hereditary breast ovarian cancer syndrome. Last evaluated: 2024-04-01. Review status: criteria provided, single submitter. Criteria: ACMG Guidelines, 2015. Collection method: clinical testing. Allele origin: germline. Inheritance: Autosomal dominant inheritance. Not counted in ClinVar's aggregate classification.
Comment: The p.Arg18LeufsX12 variant in BRCA2 has been reported in >10 individuals with BRCA2-associated cancers, including 2 males with breast cancer. This variant segregated with disease in one large family (exact numbers not disclosed; Tavtigian 1996 PMID: 8589730, Easton 1997 PMID: 9245992, Csokay 1999 PMID: 10070953, Seymour 2008 PMID: 18092194, Borg 2010 PMID: 20104584, Ding 2011 PMID: 20927582, Finkelman 2012 PMID: 22430266, Li 2016 PMID: 26534844, Meisel 2017 PMID: 28324225, Toss 2019 PMID: 30736435, Shao 2020 PMID: 31742824, Solano 2021 PMID: 34072659). This variant has also been identified in 0.0005% (2/418050) of European chromosomes in gnomAD (v4.0.0). In vitro functional studies support an impact on protein function as this variant did not rescue embryonic stem cell lethality in an in vitro functional assay (Kuznetsov 2008 PMID: 18607349). This variant is predicted to cause a frameshift, which alters the protein’s amino acid sequence beginning at position 18 and leads to a premature termination codon 12 amino acids downstream. This alteration is then predicted to lead to a truncated or absent protein. Heterozygous loss of function of the BRCA2 gene is an established disease mechanism in autosomal dominant hereditary breast and ovarian cancer (HBOC). Additionally, this variant was classified as Pathogenic on April 22, 2016 by the ClinGen-approved ENIGMA expert panel (Variation ID 51814). In summary, this variant meets criteria to be classified as pathogenic for autosomal dominant HBOC. ACMG/AMP Criteria applied: PVS1, PS4_Moderate, PM2_Supporting, PS3_Supporting.

Ambry Genetics
Classification: Pathogenic for Hereditary cancer-predisposing syndrome. Last evaluated: 2024-02-19. Review status: criteria provided, single submitter. Criteria: Ambry Variant Classification Scheme 2023. Collection method: clinical testing. Allele origin: germline. Not counted in ClinVar's aggregate classification.
Comment: The c.51_52delAC pathogenic mutation, located in coding exon 1 of the BRCA2 gene, results from a deletion of two nucleotides at nucleotide positions 51 and 52, causing a translational frameshift with a predicted alternate stop codon (p.R18Lfs*12). This pathogenic mutation has been observed in multiple individuals with breast, ovarian, and male breast cancer (Tavtigian SV et al. Nat. Genet.1996 Mar;12(3):333-7; Csokay B et al. Cancer Res.1999 Mar; 59(5):995-8; Borg A et al. Hum. Mutat. 2010 Mar;31(3):E1200-40; Ding YC et al. Breast Cancer Res. Treat. 2011 Apr; 126(3):771-8; Meisel C et al. Arch. Gynecol. Obstet. 2017 May;295(5):1227-1238; Rebbeck TR et al. Hum. Mutat. 2018 05;39(5):593-620). Of note, this alteration is also designated as 277delAC and 279delAC in published literature. In addition to the clinical data presented in the literature, this alteration is expected to result in loss of function by premature protein truncation or nonsense-mediated mRNA decay. As such, this alteration is interpreted as a disease-causing mutation.

Color Diagnostics, LLC DBA Color Health
Classification: Pathogenic for Hereditary cancer-predisposing syndrome. Last evaluated: 2021-06-08. Review status: criteria provided, single submitter. Criteria: ACMG Guidelines, 2015. Collection method: clinical testing. Allele origin: germline. Not counted in ClinVar's aggregate classification.
Comment: This variant deletes 2 nucleotides in exon 2 of the BRCA2 gene, creating a frameshift and premature translation stop signal. This variant is expected to result in an absent or non-functional protein product. A functional study has reported that this variant impacts BRCA2 function in complementing Brca2-deficient mouse embryonic stem cells (PMID: 18607349). This variant has been reported in at least five individuals affected with breast cancer and ovarian cancer (PMID: 8589730, 10070953, 20104584, 34072659) and in suspected hereditary breast and ovarian cancer families (PMID: 22430266, 26534844, 28324225). This variant has been reported to segregate with male and female breast cancer and ovarian cancer in a large pedigree with a LOD score of 5.06 (PMID: 8589730, 9245992). This variant has not been identified in the general population by the Genome Aggregation Database (gnomAD). Loss of BRCA2 function is a known mechanism of disease. Based on the available evidence, this variant is classified as Pathogenic.

Women's Health and Genetics/Laboratory Corporation of America, LabCorp
Classification: Pathogenic for Hereditary breast ovarian cancer syndrome. Last evaluated: 2021-04-30. Review status: criteria provided, single submitter. Criteria: LabCorp Variant Classification Summary - May 2015. Collection method: clinical testing. Allele origin: germline. Not counted in ClinVar's aggregate classification.
Comment: Variant summary: BRCA2 c.51_52delAC (p.Arg18LeufsX12) results in a premature termination codon, predicted to cause a truncation of the encoded protein or absence of the protein due to nonsense mediated decay, which are commonly known mechanisms for disease. Truncations downstream of this position have been classified as pathogenic by our laboratory. The variant was absent in 251254 control chromosomes. c.51_52delAC has been reported in the literature in multiple individuals affected with Hereditary Breast And Ovarian Cancer Syndrome (example, Rebbeck_2018). These data indicate that the variant is very likely to be associated with disease. To our knowledge, no experimental evidence demonstrating an impact on protein function has been reported. Multiple clinical diagnostic laboratories, an expert panel (ENIGMA) and a consortium (CIMBA) have submitted clinical-significance assessments for this variant to ClinVar after 2014 without evidence for independent evaluation. All submitters classified the variant as pathogenic. Based on the evidence outlined above, the variant was classified as pathogenic.

NM_000059.4(BRCA2):c.51_52del (p.Arg18fs)

Gene: BRCA2 (BRCA2 DNA repair associated; plus strand). Cytogenetic location: 13q13.1.
Variant type: Microsatellite.
Coding change: c.51_52del on transcript NM_000059.4 (MANE Select); coding-DNA positions 51 to 52, 2 bases deleted (AC; older notation c.51_52delAC).
Protein change: p.Arg18fs; shifts the reading frame from arginine 18.
Molecular consequence: frameshift variant.
Genome position (GRCh38, 1-based): chr13:32,316,511-32,316,512, AC deleted; deleting any 2 consecutive bases within chr13:32,316,509-32,316,512 gives the same sequence; the c. name uses the placement nearest the transcript's 3' end. VCF-style (leftmost placement, unchanged base first): chr13-32316508-GAC-G. GRCh37 (hg19) VCF-style: chr13-32890645-GAC-G.
Other names: 279delAC; c.49_50delAC (NM_000059.3); short protein forms R18fs.
Identifiers: ClinVar variation 51814 (VCV000051814.27), dbSNP rs80359483, ClinGen allele CA021388.